The following is an entry in ClinVar:

NM_173728.4(ARHGEF15):c.769G>A (p.Gly257Ser)

Gene: ARHGEF15 (Rho guanine nucleotide exchange factor 15; plus strand). Cytogenetic location: 17p13.1.
Variant type: single nucleotide variant.
Coding change: c.769G>A on transcript NM_173728.4 (MANE Select); coding-DNA position 769, G replaced by A.
Protein change: p.Gly257Ser; replaces glycine 257 with serine.
Molecular consequence: missense variant.
Genome position (GRCh38, 1-based): chr17:8,313,089, G>A. VCF-style: chr17-8313089-G-A. GRCh37 (hg19) VCF-style: chr17-8216407-G-A.
Other names: c.769G>A, p.Gly257Ser (NM_025014.2); short protein forms G257S.
Identifiers: ClinVar variation 649899 (VCV000649899.9), dbSNP rs758268978, ClinGen allele CA8374980.

ClinVar aggregate classification (germline): Uncertain significance (1 of 4 stars; one submission).

Conditions:
Early-infantile DEE. Also called: Early infantile epileptic encephalopathy with suppression bursts; Early infantile epileptic encephalopathy; Ohtahara syndrome. Identifiers: Orphanet 1934, MedGen C0393706, MONDO:0800491.

Allele frequency attached by ClinVar (database versions not stated): TOPMed below 0.00001; ExAC 0.00001; gnomAD 0.00001; gnomAD exomes 0.00001 and below 0.00001.

Submission:

Labcorp Genetics (formerly Invitae), Labcorp
Classification: Uncertain significance for Early-infantile DEE. Last evaluated: 2018-10-12. Review status: criteria provided, single submitter. Criteria: Invitae Variant Classification Sherloc (09022015). Collection method: clinical testing. Allele origin: germline.
Comment: This variant has not been reported in the literature in individuals with ARHGEF15-related disease. Algorithms developed to predict the effect of missense changes on protein structure and function output the following: SIFT: "Tolerated"; PolyPhen-2: "Benign"; Align-GVGD: "Class C0". The serine amino acid residue is found in multiple mammalian species, suggesting that this missense change does not adversely affect protein function. These predictions have not been confirmed by published functional studies and their clinical significance is uncertain. In summary, the available evidence is currently insufficient to determine the role of this variant in disease. Therefore, it has been classified as a Variant of Uncertain Significance. This sequence change replaces glycine with serine at codon 257 of the ARHGEF15 protein (p.Gly257Ser). The glycine residue is weakly conserved and there is a small physicochemical difference between glycine and serine. This variant is present in population databases (rs758268978, ExAC no frequency).